The following is an entry in ClinVar:

NM_001232.4(CASQ2):c.940-1G>T

Gene: CASQ2 (calsequestrin 2; minus strand). Cytogenetic location: 1p13.1.
Variant type: single nucleotide variant.
Coding change: c.940-1G>T on transcript NM_001232.4 (MANE Select); the canonical splice acceptor site of the intron before coding-DNA position 940, G replaced by T.
Molecular consequence: splice acceptor variant.
Genome position (GRCh38, 1-based): chr1:115,702,996, C>A on the plus strand (G>T on the coding strand, the complement: CASQ2 is on the minus strand). VCF-style: chr1-115702996-C-A. GRCh37 (hg19) VCF-style: chr1-116245617-C-A.
Identifiers: ClinVar variation 228247 (VCV000228247.12), dbSNP rs876657635, ClinGen allele CA10576356.

ClinVar aggregate classification (germline): Likely pathogenic. Review status: criteria provided, multiple submitters, no conflicts (2 of 4 stars). 4 submissions from 4 submitters: Likely pathogenic (4). Last evaluated 2023-04-11.

Conditions:
Catecholaminergic polymorphic ventricular tachycardia (CVPT). Also called: Catecholamine-induced polymorphic ventricular tachycardia. Identifiers: Orphanet 3286, MedGen C5574922, MONDO:0017990.
Catecholaminergic polymorphic ventricular tachycardia 2. Also called: VENTRICULAR TACHYCARDIA, STRESS-INDUCED POLYMORPHIC 2; CASQ2-Related Catecholaminergic Polymorphic Ventricular Tachycardia. Identifiers: Orphanet 3286, MedGen C2677794, MONDO:0012762, OMIM 611938.
Catecholaminergic polymorphic ventricular tachycardia 1. Also called: VENTRICULAR TACHYCARDIA, STRESS-INDUCED POLYMORPHIC 1; RYR2-Related Catecholaminergic Polymorphic Ventricular Tachycardia; VENTRICULAR TACHYCARDIA, CATECHOLAMINERGIC POLYMORPHIC, 1, WITH OR WITHOUT ATRIAL DYSFUNCTION AND/OR DILATED CARDIOMYOPATHY. Identifiers: Orphanet 3286, MedGen C1631597, MONDO:0011484, OMIM 604772.

Allele frequency attached by ClinVar (database versions not stated): gnomAD exomes 0.00001.
gnomAD v4.1: 12 of 1,611,778 alleles (0.00074%); highest among the groups gnomAD compares: Non-Finnish European, 0.001%; no homozygotes.

Submissions (4):

Genome-Nilou Lab
Classification: Likely pathogenic for Catecholaminergic polymorphic ventricular tachycardia 2. Last evaluated: 2023-04-11. Review status: criteria provided, single submitter. Criteria: ACMG Guidelines, 2015. Collection method: clinical testing. Allele origin: germline. Affected: no.

Labcorp Genetics (formerly Invitae), Labcorp
Classification: Likely pathogenic for Catecholaminergic polymorphic ventricular tachycardia 1. Last evaluated: 2022-05-20. Review status: criteria provided, single submitter. Criteria: Invitae Variant Classification Sherloc (09022015). Collection method: clinical testing. Allele origin: germline.
Comment: In summary, the currently available evidence indicates that the variant is pathogenic, but additional data are needed to prove that conclusively. Therefore, this variant has been classified as Likely Pathogenic. Algorithms developed to predict the effect of sequence changes on RNA splicing suggest that this variant may disrupt the consensus splice site. ClinVar contains an entry for this variant (Variation ID: 228247). This variant has not been reported in the literature in individuals affected with CASQ2-related conditions. This variant is not present in population databases (gnomAD no frequency). This sequence change affects an acceptor splice site in intron 9 of the CASQ2 gene. It is expected to disrupt RNA splicing. Variants that disrupt the donor or acceptor splice site typically lead to a loss of protein function (PMID: 16199547), and loss-of-function variants in CASQ2 are known to be pathogenic (PMID: 12386154).

Fulgent Genetics
Classification: Likely pathogenic for Catecholaminergic polymorphic ventricular tachycardia 1; Catecholaminergic polymorphic ventricular tachycardia 2. Last evaluated: 2021-09-14. Review status: criteria provided, single submitter. Criteria: ACMG Guidelines, 2015. Collection method: clinical testing. Allele origin: unknown.

Laboratory for Molecular Medicine, Mass General Brigham Personalized Medicine
Classification: Likely pathogenic for Catecholaminergic polymorphic ventricular tachycardia. Last evaluated: 2015-04-13. Review status: criteria provided, single submitter. Criteria: LMM Criteria. Collection method: clinical testing. Allele origin: germline. Inheritance: Autosomal recessive inheritance. Observed: 1 variant allele.
Comment: The c.940-1G>T variant in CASQ2 has not been previously reported in individuals with CPVT and was absent from large population studies. This variant occurs in t he invariant region (+/- 1,2) of the splice consensus sequence and is predicted to cause altered splicing leading to an abnormal or absent protein. Homozygous o r compound heterozygous variants in CASQ2 are strongly associated with CPVT and splice variants as well as loss-of-function variants are part of the pathogenic variant spectrum (Roux-Buisson 2011). In summary, although additional studies ar e required to fully establish its clinical significance, the c.940-1G>T variant is likely pathogenic for CPVT in an autosomal recessive manner.

Literature cited by the submitters: PubMed 16199547 (cited by Labcorp Genetics (formerly Invitae), Labcorp); PubMed 12386154 (cited by Labcorp Genetics (formerly Invitae), Labcorp).